The following is an entry in ClinVar:

NM_000051.4(ATM):c.4836A>G (p.Glu1612=)

Gene: ATM (ATM serine/threonine kinase; plus strand). Cytogenetic location: 11q22.3.
Variant type: single nucleotide variant.
Coding change: c.4836A>G on transcript NM_000051.4 (MANE Select); coding-DNA position 4836, A replaced by G.
Protein change: p.Glu1612=; no amino-acid change (glutamic acid 1612 retained).
Molecular consequence: synonymous variant.
Genome position (GRCh38, 1-based): chr11:108,294,986, A>G. VCF-style: chr11-108294986-A-G. GRCh37 (hg19) VCF-style: chr11-108165713-A-G.
Other names: c.4836A>G (NM_000051.3); c.4836A>G, p.Glu1612= (NM_001351834.2).
Identifiers: ClinVar variation 1109945 (VCV001109945.11), dbSNP rs2135835525, ClinGen allele CA476674525.
Genomic context (GRCh38, chr11:108,294,986, plus strand): 5'-GGAAATTAACCATTTTCTCTCAGTAAGTGTTTATGATGCACTTCCATTGACAAGACTTGA[A>G]GGACTAAAGGATCTTCGAAGACAACTGGAACTACATAAAGATCAGATGGTGGACATTATG-3'
Protein context (NP_000042.3, residues 1602-1622): VYDALPLTRL[Glu1612=]GLKDLRRQLE

ClinVar aggregate classification (germline): Benign/Likely benign. Review status: criteria provided, multiple submitters, no conflicts (2 of 4 stars). 3 submissions from 3 submitters: Benign (1); Likely benign (2). Last evaluated 2024-05-21.

Conditions:
Hereditary cancer-predisposing syndrome. Also called: Hereditary neoplastic syndrome; Tumor predisposition; Neoplastic Syndromes, Hereditary; Hereditary Cancer Syndrome. Identifiers: Orphanet 140162, MedGen C0027672, MeSH D009386, MONDO:0015356.
Familial cancer of breast. Also called: Hereditary breast cancer; hereditary breast carcinoma; BREAST CANCER, FAMILIAL. Identifiers: Orphanet 227535, MedGen C0346153, MONDO:0016419, OMIM 114480. Disease mechanism: loss of function.
Ataxia-telangiectasia syndrome (AT). Also called: Ataxia-telangiectasia, complementation group D; Ataxia telangiectasia (A-T); LOUIS-BAR SYNDROME; AT, COMPLEMENTATION GROUP C; Ataxia-telangiectasia; ATAXIA-TELANGIECTASIA, COMPLEMENTATION GROUP A. Identifiers: Orphanet 100, MedGen C0004135, MONDO:0008840, OMIM 208900.

Allele frequency attached by ClinVar (database versions not stated): gnomAD exomes below 0.00001.
gnomAD v4.1: 1 of 1,613,934 alleles (0.000062%); highest among the groups gnomAD compares: Non-Finnish European, 0.000085%; no homozygotes.

Submissions (3):

Myriad Genetics, Inc.
Classification: Benign for Familial cancer of breast. Last evaluated: 2024-05-21. Review status: criteria provided, single submitter. Criteria: Myriad Autosomal Dominant, Autosomal Recessive and X-Linked Classification Criteria (2023). Collection method: clinical testing. Allele origin: unknown.
Comment: This variant is considered benign. This variant is a silent/synonymous amino acid change and it is not expected to impact splicing.

Labcorp Genetics (formerly Invitae), Labcorp
Classification: Likely benign for Ataxia-telangiectasia syndrome. Last evaluated: 2023-11-27. Review status: criteria provided, single submitter. Criteria: Invitae Variant Classification Sherloc (09022015). Collection method: clinical testing. Allele origin: germline.

Ambry Genetics
Classification: Likely benign for Hereditary cancer-predisposing syndrome. Last evaluated: 2023-08-29. Review status: criteria provided, single submitter. Criteria: Ambry Variant Classification Scheme 2023. Collection method: clinical testing. Allele origin: germline.